The following is an entry in ClinVar:

NM_001999.4(FBN2):c.2123G>A (p.Gly708Glu)

Gene: FBN2 (fibrillin 2; minus strand). Cytogenetic location: 5q23.3.
Variant type: single nucleotide variant.
Coding change: c.2123G>A on transcript NM_001999.4 (MANE Select); coding-DNA position 2123, G replaced by A.
Protein change: p.Gly708Glu; replaces glycine 708 with glutamic acid.
Molecular consequence: missense variant.
Genome position (GRCh38, 1-based): chr5:128,369,307, C>T on the plus strand (G>A on the coding strand, the complement: FBN2 is on the minus strand). VCF-style: chr5-128369307-C-T. GRCh37 (hg19) VCF-style: chr5-127705000-C-T.
Other names: short protein forms G708E.
Identifiers: ClinVar variation 3611291 (VCV003611291.2).

ClinVar aggregate classification (germline): Uncertain significance (1 of 4 stars; one submission).

Conditions:
Congenital contractural arachnodactyly (CCA). Also called: Arthrogryposis, distal, type 9; BEALS SYNDROME; Beals-Hecht syndrome. Identifiers: Orphanet 115, MedGen C0220668, MONDO:0007363, OMIM 121050.

Submission:

Labcorp Genetics (formerly Invitae), Labcorp
Classification: Uncertain significance for Congenital contractural arachnodactyly. Last evaluated: 2024-03-16. Review status: criteria provided, single submitter. Criteria: Invitae Variant Classification Sherloc (09022015). Collection method: clinical testing. Allele origin: germline.
Comment: This sequence change replaces glycine, which is neutral and non-polar, with glutamic acid, which is acidic and polar, at codon 708 of the FBN2 protein (p.Gly708Glu). This variant is not present in population databases (gnomAD no frequency). This variant has not been reported in the literature in individuals affected with FBN2-related conditions. Advanced modeling of protein sequence and biophysical properties (such as structural, functional, and spatial information, amino acid conservation, physicochemical variation, residue mobility, and thermodynamic stability) performed at Invitae indicates that this missense variant is not expected to disrupt FBN2 protein function with a negative predictive value of 80%. In summary, the available evidence is currently insufficient to determine the role of this variant in disease. Therefore, it has been classified as a Variant of Uncertain Significance.